The following is an entry in ClinVar:

NM_000051.4(ATM):c.7518A>G (p.Arg2506=)

Genes: ATM (ATM serine/threonine kinase; plus strand), C11orf65 (chromosome 11 open reading frame 65; minus strand). Cytogenetic location: 11q22.3.
Variant type: single nucleotide variant.
Coding change: c.7518A>G on transcript NM_000051.4 (MANE Select); coding-DNA position 7518, A replaced by G.
Protein change: p.Arg2506=; no amino-acid change (arginine 2506 retained).
Molecular consequence: synonymous variant. On other transcripts: non-coding transcript variant (1), intron variant (2).
Genome position (GRCh38, 1-based): chr11:108,331,446, A>G. VCF-style: chr11-108331446-A-G. GRCh37 (hg19) VCF-style: chr11-108202173-A-G.
Other names: c.7518A>G, p.Arg2506= (NM_001351834.2); c.641-22375T>C (NM_001330368.2); c.*38+3774T>C (NM_001351110.2).
Identifiers: ClinVar variation 1087555 (VCV001087555.10), dbSNP rs2086221982, ClinGen allele CA476677028.

ClinVar aggregate classification (germline): Benign/Likely benign. Review status: criteria provided, multiple submitters, no conflicts (2 of 4 stars). 2 submissions from 2 submitters: Benign (1); Likely benign (1). Last evaluated 2024-06-14.

Conditions:
Familial cancer of breast. Also called: Hereditary breast cancer; hereditary breast carcinoma; BREAST CANCER, FAMILIAL. Identifiers: Orphanet 227535, MedGen C0346153, MONDO:0016419, OMIM 114480. Disease mechanism: loss of function.
Ataxia-telangiectasia syndrome (AT). Also called: Ataxia telangiectasia (A-T); ATAXIA-TELANGIECTASIA, COMPLEMENTATION GROUP A; ATAXIA-TELANGIECTASIA, FRESNO VARIANT; Ataxia-telangiectasia; Ataxia-telangiectasia, complementation group E; LOUIS-BAR SYNDROME. Identifiers: Orphanet 100, MedGen C0004135, MONDO:0008840, OMIM 208900.

Submissions (2):

Myriad Genetics, Inc.
Classification: Benign for Familial cancer of breast. Last evaluated: 2024-06-14. Review status: criteria provided, single submitter. Criteria: Myriad Autosomal Dominant, Autosomal Recessive and X-Linked Classification Criteria (2023). Collection method: clinical testing. Allele origin: unknown.
Comment: This variant is considered benign. This variant is a silent/synonymous amino acid change and it is not expected to impact splicing.

Labcorp Genetics (formerly Invitae), Labcorp
Classification: Likely benign for Ataxia-telangiectasia syndrome. Last evaluated: 2019-07-31. Review status: criteria provided, single submitter. Criteria: Invitae Variant Classification Sherloc (09022015). Collection method: clinical testing. Allele origin: germline.